The following is an entry in ClinVar:

ClinVar aggregate classification (germline): Uncertain significance. Review status: criteria provided, multiple submitters, no conflicts (2 of 4 stars). 3 submissions from 3 submitters: Uncertain significance (2). 1 of the submissions does not count toward it. Last evaluated 2025-10-27.

Conditions:
Hereditary breast ovarian cancer syndrome. Also called: Hereditary breast and ovarian cancer; BRCA1- and BRCA2-Associated Hereditary Breast and Ovarian Cancer; Hereditary breast and/or ovarian cancer syndrome; Hereditary breast and ovarian cancer syndrome; Hereditary breast and ovarian cancer syndrome (HBOC); Breast and ovarian cancer. Identifiers: Orphanet 145, MedGen C0677776, MeSH D061325, MONDO:0003582. Disease mechanism: loss of function.
Breast-ovarian cancer, familial, susceptibility to, 2 (BROVCA2). Also called: BRCA2 Hereditary Breast and Ovarian Cancer. Identifiers: Orphanet 145, MedGen C2675520, MONDO:0012933, OMIM 612555. Disease mechanism: loss of function.

Allele frequency attached by ClinVar (database versions not stated): gnomAD exomes below 0.00001.
gnomAD v4.1: 1 of 1,613,948 alleles (0.000062%); highest among the groups gnomAD compares: Non-Finnish European, 0.000085%; no homozygotes.

Submissions (3):

Labcorp Genetics (formerly Invitae), Labcorp
Classification: Uncertain significance for Hereditary breast ovarian cancer syndrome. Last evaluated: 2025-10-27. Review status: criteria provided, single submitter. Criteria: Invitae Variant Classification Sherloc (09022015). Collection method: clinical testing. Allele origin: germline.
Comment: This sequence change replaces glycine, which is neutral and non-polar, with alanine, which is neutral and non-polar, at codon 2816 of the BRCA2 protein (p.Gly2816Ala). This variant is not present in population databases (gnomAD no frequency). This variant has not been reported in the literature in individuals affected with BRCA2-related conditions. ClinVar contains an entry for this variant (Variation ID: 225280). Invitae Evidence Modeling of protein sequence and biophysical properties (such as structural, functional, and spatial information, amino acid conservation, physicochemical variation, residue mobility, and thermodynamic stability) indicates that this missense variant is not expected to disrupt BRCA2 protein function with a negative predictive value of 95%. In summary, the available evidence is currently insufficient to determine the role of this variant in disease. Therefore, it has been classified as a Variant of Uncertain Significance.

CSER _CC_NCGL, University of Washington
Classification: Uncertain significance for Hereditary breast and ovarian cancer. Last evaluated: 2015-12-01. Review status: criteria provided, single submitter. Criteria: Amendola et al. (Genome Res. 2015). Collection method: research. Allele origin: germline. Inheritance: Autosomal dominant inheritance. Study: CSER - NEXT Medicine variant annotation.
Comment: .GERP=2.410.ExAC Alt Allele Frequencies=unknown.

Sharing Clinical Reports Project (SCRP)
Classification: Uncertain significance for Breast-ovarian cancer, familial 2. Last evaluated: 2012-12-28. Review status: no assertion criteria provided. Collection method: clinical testing. Allele origin: germline. Not counted in ClinVar's aggregate classification.

NM_000059.4(BRCA2):c.8447G>C (p.Gly2816Ala)

Gene: BRCA2 (BRCA2 DNA repair associated; plus strand). Cytogenetic location: 13q13.1.
Variant type: single nucleotide variant.
Coding change: c.8447G>C on transcript NM_000059.4 (MANE Select); coding-DNA position 8447, G replaced by C.
Protein change: p.Gly2816Ala; replaces glycine 2816 with alanine.
Molecular consequence: missense variant.
Genome position (GRCh38, 1-based): chr13:32,370,517, G>C. VCF-style: chr13-32370517-G-C. GRCh37 (hg19) VCF-style: chr13-32944654-G-C.
Other names: 8675G>C; short protein forms G2816A.
Identifiers: ClinVar variation 225280 (VCV000225280.3), dbSNP rs56096120, ClinGen allele CA358343.
Genomic context (GRCh38, chr13:32,370,517, plus strand): 5'-CTGACCCTAGACCTTTTCCTCTGCCCTTATCATCGCTTTTCAGTGATGGAGGAAATGTTG[G>C]TTGTGTTGATGTAATTATTCAAAGAGCATACCCTATACAGGTATGATGTATTCTTGAAAC-3'
Protein context (NP_000050.3, residues 2806-2826): SSLFSDGGNV[Gly2816Ala]CVDVIIQRAY